The following is an entry in ClinVar:

ClinVar aggregate classification (germline): Uncertain significance. Review status: criteria provided, multiple submitters, no conflicts (2 of 4 stars). 2 submissions from 2 submitters: Uncertain significance (2). Last evaluated 2023-05-24.

Conditions:
Nephronophthisis 16 (NPHP16). Identifiers: Orphanet 655, MedGen C3809320, MONDO:0014158, OMIM 615382.
Inborn genetic diseases. Identifiers: MedGen C0950123, MeSH D030342.

Allele frequency attached by ClinVar (database versions not stated): gnomAD exomes 0.00003; gnomAD 0.00001; ExAC 0.00001; TOPMed 0.00002.
gnomAD v4.1: 38 of 1,613,620 alleles (0.0024%); highest among the groups gnomAD compares: Non-Finnish European, 0.0032%; no homozygotes.

Submissions (2):

Ambry Genetics
Classification: Uncertain significance for Inborn genetic diseases. Last evaluated: 2023-05-24. Review status: criteria provided, single submitter. Criteria: Ambry Variant Classification Scheme 2023. Collection method: clinical testing. Allele origin: germline.

Labcorp Genetics (formerly Invitae), Labcorp
Classification: Uncertain significance for Nephronophthisis 16. Last evaluated: 2022-06-17. Review status: criteria provided, single submitter. Criteria: Invitae Variant Classification Sherloc (09022015). Collection method: clinical testing. Allele origin: germline.
Comment: This sequence change replaces serine, which is neutral and polar, with glycine, which is neutral and non-polar, at codon 860 of the ANKS6 protein (p.Ser860Gly). This variant is present in population databases (rs780554387, gnomAD 0.002%). This variant has not been reported in the literature in individuals affected with ANKS6-related conditions. Algorithms developed to predict the effect of missense changes on protein structure and function are either unavailable or do not agree on the potential impact of this missense change (SIFT: "Deleterious"; PolyPhen-2: "Probably Damaging"; Align-GVGD: "Class C0"). In summary, the available evidence is currently insufficient to determine the role of this variant in disease. Therefore, it has been classified as a Variant of Uncertain Significance.

NM_173551.5(ANKS6):c.2578A>G (p.Ser860Gly)

Gene: ANKS6 (ankyrin repeat and sterile alpha motif domain containing 6; minus strand). Cytogenetic location: 9q22.33.
Variant type: single nucleotide variant.
Coding change: c.2578A>G on transcript NM_173551.5 (MANE Select); coding-DNA position 2578, A replaced by G.
Protein change: p.Ser860Gly; replaces serine 860 with glycine.
Molecular consequence: missense variant.
Genome position (GRCh38, 1-based): chr9:98,736,557, T>C on the plus strand (A>G on the coding strand, the complement: ANKS6 is on the minus strand). VCF-style: chr9-98736557-T-C. GRCh37 (hg19) VCF-style: chr9-101498839-T-C.
Other names: c.2578A>G (NM_173551.3); short protein forms S860G.
Identifiers: ClinVar variation 2067351 (VCV002067351.6), dbSNP rs780554387, ClinGen allele CA5153097.